The following is an entry in ClinVar:

ClinVar aggregate classification (germline): Uncertain significance (1 of 4 stars; one submission).

gnomAD v4.1: 2 of 1,609,662 alleles (0.00012%); highest among the groups gnomAD compares: African/African-American, 0.0027%; no homozygotes.

Submission:

Labcorp Genetics (formerly Invitae), Labcorp
Classification: Uncertain significance. Last evaluated: 2025-02-02. Review status: criteria provided, single submitter. Criteria: Invitae Variant Classification Sherloc (09022015). Collection method: clinical testing. Allele origin: germline.
Comment: This sequence change replaces proline, which is neutral and non-polar, with serine, which is neutral and polar, at codon 1465 of the SORL1 protein (p.Pro1465Ser). This variant is not present in population databases (gnomAD no frequency). This variant has not been reported in the literature in individuals affected with SORL1-related conditions. An algorithm developed to predict the effect of missense changes on protein structure and function (PolyPhen-2) suggests that this variant is likely to be tolerated. In summary, the available evidence is currently insufficient to determine the role of this variant in disease. Therefore, it has been classified as a Variant of Uncertain Significance.

NM_003105.6(SORL1):c.4393C>T (p.Pro1465Ser)

Genes: SORL1 (sortilin related receptor 1; plus strand), LOC126861368 (P300/CBP strongly-dependent group 1 enhancer GRCh37_chr11:121465964-121467163; plus strand). Cytogenetic location: 11q24.1.
Variant type: single nucleotide variant.
Coding change: c.4393C>T on transcript NM_003105.6 (MANE Select); coding-DNA position 4393, C replaced by T.
Protein change: p.Pro1465Ser; replaces proline 1465 with serine.
Molecular consequence: missense variant.
Genome position (GRCh38, 1-based): chr11:121,595,646, C>T. VCF-style: chr11-121595646-C-T. GRCh37 (hg19) VCF-style: chr11-121466355-C-T.
Other names: short protein forms P1465S.
Identifiers: ClinVar variation 3670221 (VCV003670221.2).